The following is an entry in ClinVar:

NM_015311.3(OBSL1):c.1592A>G (p.Lys531Arg)

Gene: OBSL1 (obscurin like cytoskeletal adaptor 1; minus strand). Cytogenetic location: 2q35.
Variant type: single nucleotide variant.
Coding change: c.1592A>G on transcript NM_015311.3 (MANE Select); coding-DNA position 1592, A replaced by G.
Protein change: p.Lys531Arg; replaces lysine 531 with arginine.
Molecular consequence: missense variant.
Genome position (GRCh38, 1-based): chr2:219,567,518, T>C on the plus strand (A>G on the coding strand, the complement: OBSL1 is on the minus strand). VCF-style: chr2-219567518-T-C. GRCh37 (hg19) VCF-style: chr2-220432240-T-C.
Other names: c.1592A>G, p.Lys531Arg (NM_001173408.2, NM_001173431.2); short protein forms K531R.
Identifiers: ClinVar variation 1423439 (VCV001423439.6), dbSNP rs749485584, ClinGen allele CA2131484.

ClinVar aggregate classification (germline): Uncertain significance (1 of 4 stars; one submission).

Allele frequency attached by ClinVar (database versions not stated): TOPMed 0.00003; gnomAD exomes 0.00004 and 0.00010; ExAC 0.00008.
gnomAD v4.1: 22 of 1,613,482 alleles (0.0014%); highest among the groups gnomAD compares: Admixed American, 0.037%; no homozygotes.

Submission:

Labcorp Genetics (formerly Invitae), Labcorp
Classification: Uncertain significance. Last evaluated: 2025-04-28. Review status: criteria provided, single submitter. Criteria: Invitae Variant Classification Sherloc (09022015). Collection method: clinical testing. Allele origin: germline.
Comment: This sequence change replaces lysine, which is basic and polar, with arginine, which is basic and polar, at codon 531 of the OBSL1 protein (p.Lys531Arg). This variant is present in population databases (rs749485584, gnomAD 0.07%). This variant has not been reported in the literature in individuals affected with OBSL1-related conditions. ClinVar contains an entry for this variant (Variation ID: 1423439). An algorithm developed to predict the effect of missense changes on protein structure and function outputs the following: PolyPhen-2: "Benign". The arginine amino acid residue is found in multiple mammalian species, which suggests that this missense change does not adversely affect protein function. In summary, the available evidence is currently insufficient to determine the role of this variant in disease. Therefore, it has been classified as a Variant of Uncertain Significance.